The following is an entry in ClinVar:

ClinVar aggregate classification (germline): Uncertain significance (1 of 4 stars; one submission).

Submission:

Women's Health and Genetics/Laboratory Corporation of America, LabCorp
Classification: Uncertain significance. Last evaluated: 2025-04-08. Review status: criteria provided, single submitter. Criteria: LabCorp Variant Classification Summary - May 2015. Collection method: clinical testing. Allele origin: germline.
Comment: Variant summary: SMPD1 c.629A>G (p.His210Arg) results in a non-conservative amino acid change in the encoded protein sequence. Four of four in-silico tools predict a damaging effect of the variant on protein function. The variant was absent in 241622 control chromosomes. The available data on variant occurrences in the general population are insufficient to allow any conclusion about variant significance. c.629A>G has been reported in the literature in an individual affected with Niemann-Pick Disease (e.g. Almeida_2022). This report does not provide unequivocal conclusions about association of the variant with Niemann-Pick Disease. To our knowledge, no experimental evidence demonstrating an impact on protein function has been reported. The following publication has been ascertained in the context of this evaluation (PMID: 35614200). No submitters have cited clinical-significance assessments for this variant to ClinVar. Based on the evidence outlined above, the variant was classified as uncertain significance.

Literature cited by the submitters: PubMed 35614200.

NM_000543.5(SMPD1):c.629A>G (p.His210Arg)

Gene: SMPD1 (sphingomyelin phosphodiesterase 1; plus strand). Cytogenetic location: 11p15.4.
Variant type: single nucleotide variant.
Coding change: c.629A>G on transcript NM_000543.5 (MANE Select); coding-DNA position 629, A replaced by G.
Protein change: p.His210Arg; replaces histidine 210 with arginine.
Molecular consequence: missense variant. On other transcripts: 5 prime UTR variant (1), non-coding transcript variant (1).
Genome position (GRCh38, 1-based): chr11:6,391,694, A>G. VCF-style: chr11-6391694-A-G. GRCh37 (hg19) VCF-style: chr11-6412924-A-G.
Other names: c.626A>G, p.His209Arg (NM_001007593.3); c.629A>G, p.His210Arg (NM_001318087.2, NM_001365135.2); c.-333A>G (NM_001318088.2); short protein forms H209R, H210R.
Identifiers: ClinVar variation 3896416 (VCV003896416.2).
Genomic context (GRCh38, chr11:6,391,694, plus strand): 5'-CCCCTAGCCCCCCAGCCCCAGGTGCCCCTGTCAGCCGCATCCTCTTCCTCACTGACCTGC[A>G]CTGGGATCATGACTACCTGGAGGGCACGGACCCTGACTGTGCAGACCCACTGTGCTGCCG-3'
Protein context (NP_000534.3, residues 200-220): VSRILFLTDL[His210Arg]WDHDYLEGTD